The following is an entry in ClinVar:

NM_032043.3(BRIP1):c.919-10T>A

Gene: BRIP1 (BRCA1 interacting DNA helicase 1; minus strand). Cytogenetic location: 17q23.2.
Variant type: single nucleotide variant.
Coding change: c.919-10T>A on transcript NM_032043.3 (MANE Select); 10 bases into the intron before coding-DNA position 919, T replaced by A.
Molecular consequence: intron variant.
Genome position (GRCh38, 1-based): chr17:61,801,484, A>T on the plus strand (T>A on the coding strand, the complement: BRIP1 is on the minus strand). VCF-style: chr17-61801484-A-T. GRCh37 (hg19) VCF-style: chr17-59878845-A-T.
Identifiers: ClinVar variation 2115495 (VCV002115495.4), dbSNP rs748497834, ClinGen allele CA2580094643.
Genomic context (GRCh38, chr17:61,801,484, plus strand): 5'-GTGCTGATCACTAATTTTATGAACTCCATGATAAAAATAGCAGGATTTTCCCTAGAAACA[A>T]ATATGCATAACTGAAATGTGAACCAATATTAGCATAGAAGGAATAAAATAAGCTTATCTC-3'

ClinVar aggregate classification (germline): Uncertain significance (1 of 4 stars; one submission).

Conditions:
Fanconi anemia complementation group J. Also called: BRIP1-Related Fanconi Anemia. Identifiers: Orphanet 84, MedGen C1836860, MONDO:0012187, OMIM 609054.
Familial cancer of breast. Also called: BREAST CANCER, FAMILIAL; hereditary breast carcinoma; Hereditary breast cancer. Identifiers: Orphanet 227535, MedGen C0346153, MONDO:0016419, OMIM 114480. Disease mechanism: loss of function.

Submission:

Labcorp Genetics (formerly Invitae), Labcorp
Classification: Uncertain significance for Familial cancer of breast; Fanconi anemia complementation group J. Last evaluated: 2023-05-22. Review status: criteria provided, single submitter. Criteria: Invitae Variant Classification Sherloc (09022015). Collection method: clinical testing. Allele origin: germline.
Comment: In summary, the available evidence is currently insufficient to determine the role of this variant in disease. Therefore, it has been classified as a Variant of Uncertain Significance. Algorithms developed to predict the effect of sequence changes on RNA splicing suggest that this variant may disrupt the consensus splice site. ClinVar contains an entry for this variant (Variation ID: 2115495). This variant has not been reported in the literature in individuals affected with BRIP1-related conditions. This variant is not present in population databases (gnomAD no frequency). This sequence change falls in intron 7 of the BRIP1 gene. It does not directly change the encoded amino acid sequence of the BRIP1 protein.